The following is an entry in ClinVar:

NM_177438.3(DICER1):c.2651-1G>C

Gene: DICER1 (dicer 1, ribonuclease III; minus strand). Cytogenetic location: 14q32.13.
Variant type: single nucleotide variant.
Coding change: c.2651-1G>C on transcript NM_177438.3 (MANE Select); the canonical splice acceptor site of the intron before coding-DNA position 2651, G replaced by C.
Molecular consequence: splice acceptor variant.
Genome position (GRCh38, 1-based): chr14:95,107,762, C>G on the plus strand (G>C on the coding strand, the complement: DICER1 is on the minus strand). VCF-style: chr14-95107762-C-G. GRCh37 (hg19) VCF-style: chr14-95574099-C-G.
Other names: c.2651-1G>C (NM_177438.2, NM_001291628.2, NM_030621.4 and 13 more transcripts); c.2246-1G>C (NM_001395690.1, NM_001395687.1, NM_001395689.1 and 2 more transcripts); c.2369-1G>C (NM_001395686.1); c.2084-1G>C (NM_001395691.1); c.968-1G>C (NM_001395697.1).
Identifiers: ClinVar variation 690468 (VCV000690468.4), dbSNP rs1595379448, ClinGen allele CA390881002.

ClinVar aggregate classification (germline): Likely pathogenic. Review status: criteria provided, multiple submitters, no conflicts (2 of 4 stars). 3 submissions from 3 submitters: Likely pathogenic (3). Last evaluated 2026-06-26.

Conditions:
DICER1-related tumor predisposition. Also called: DICER1-related pleuropulmonary blastoma cancer predisposition syndrome; DICER1 syndrome. Identifiers: Orphanet 284343, MedGen C3839822, MONDO:0100216.
Hereditary cancer-predisposing syndrome. Also called: Hereditary Cancer Syndrome; Hereditary neoplastic syndrome; Neoplastic Syndromes, Hereditary; Tumor predisposition. Identifiers: Orphanet 140162, MedGen C0027672, MeSH D009386, MONDO:0015356.

Submissions (3):

Myriad Genetics, Inc.
Classification: Likely pathogenic for DICER1-related tumor predisposition. Last evaluated: 2026-06-26. Review status: criteria provided, single submitter. Criteria: Myriad Autosomal Dominant, Autosomal Recessive and X-Linked Classification Criteria (2023). Collection method: clinical testing. Allele origin: unknown.
Comment: This variant is considered likely pathogenic. This variant occurs within a consensus splice junction and is predicted to result in abnormal mRNA splicing of either an out-of-frame exon or an in-frame exon necessary for protein stability and/or normal function.

Ambry Genetics
Classification: Likely pathogenic for Hereditary cancer-predisposing syndrome. Last evaluated: 2023-10-13. Review status: criteria provided, single submitter. Criteria: Ambry Variant Classification Scheme 2023. Collection method: clinical testing. Allele origin: germline.
Comment: The c.2651-1G>C intronic variant results from a G to C substitution one nucleotide upstream from coding exon 16 of the DICER1 gene. Alterations that disrupt the canonical splice site are expected to cause aberrant splicing, resulting in an abnormal protein or a transcript that is subject to nonsense-mediated mRNA decay. This nucleotide position is highly conserved in available vertebrate species. In silico splice site analysis predicts that this alteration will weaken the native splice acceptor site and will result in the creation or strengthening of a novel splice acceptor site. RNA studies have demonstrated that this alteration results in abnormal splicing in the set of samples tested (Ambry internal data). As such, this alteration is classified as likely pathogenic.

PreventionGenetics, part of Exact Sciences
Classification: Likely pathogenic. Last evaluated: 2018-11-26. Review status: criteria provided, single submitter. Criteria: ACMG Guidelines, 2015. Collection method: clinical testing. Allele origin: germline.